The following is an entry in ClinVar:

ClinVar aggregate classification (germline): Uncertain significance. Review status: criteria provided, multiple submitters, no conflicts (2 of 4 stars). 2 submissions from 2 submitters: Uncertain significance (2). Last evaluated 2024-03-24.

Conditions:
Cardiovascular phenotype. Identifiers: MedGen CN230736.
Dilated cardiomyopathy 1AA (CMD1AA). Also called: CARDIOMYOPATHY, DILATED, 1AA, WITH OR WITHOUT LEFT VENTRICULAR NONCOMPACTION; CARDIOMYOPATHY, FAMILIAL HYPERTROPHIC, 23, WITH OR WITHOUT LEFT VENTRICULAR NONCOMPACTION; Cardiomyopathy, dilated, 1AA, with or without LVNC. Identifiers: Orphanet 154, MedGen C2677338, MONDO:0012808, OMIM 612158.
Primary familial hypertrophic cardiomyopathy (HCM). Identifiers: Orphanet 99739, MedGen C0949658, MeSH D024741, MONDO:0024573. Inheritance: Various modes of inheritance.

Submissions (2):

Ambry Genetics
Classification: Uncertain significance for Cardiovascular phenotype. Last evaluated: 2024-03-24. Review status: criteria provided, single submitter. Criteria: Ambry Variant Classification Scheme 2023. Collection method: clinical testing. Allele origin: germline.
Comment: The p.Q9P variant (also known as c.26A>C), located in coding exon 1 of the ACTN2 gene, results from an A to C substitution at nucleotide position 26. The glutamine at codon 9 is replaced by proline, an amino acid with similar properties. This amino acid position is conserved. In addition, this alteration is predicted to be tolerated by in silico analysis. Based on the available evidence, the clinical significance of this alteration remains unclear.

Labcorp Genetics (formerly Invitae), Labcorp
Classification: Uncertain significance for Primary familial hypertrophic cardiomyopathy; Dilated cardiomyopathy 1AA. Last evaluated: 2022-06-19. Review status: criteria provided, single submitter. Criteria: Invitae Variant Classification Sherloc (09022015). Collection method: clinical testing. Allele origin: germline.
Comment: In summary, the available evidence is currently insufficient to determine the role of this variant in disease. Therefore, it has been classified as a Variant of Uncertain Significance. Advanced modeling of protein sequence and biophysical properties (such as structural, functional, and spatial information, amino acid conservation, physicochemical variation, residue mobility, and thermodynamic stability) performed at Invitae indicates that this missense variant is not expected to disrupt ACTN2 protein function. This variant has not been reported in the literature in individuals affected with ACTN2-related conditions. This variant is not present in population databases (gnomAD no frequency). This sequence change replaces glutamine, which is neutral and polar, with proline, which is neutral and non-polar, at codon 9 of the ACTN2 protein (p.Gln9Pro).

NM_001103.4(ACTN2):c.26A>C (p.Gln9Pro)

Gene: ACTN2 (actinin alpha 2; plus strand). Cytogenetic location: 1q43.
Variant type: single nucleotide variant.
Coding change: c.26A>C on transcript NM_001103.4 (MANE Select); coding-DNA position 26, A replaced by C.
Protein change: p.Gln9Pro; replaces glutamine 9 with proline.
Molecular consequence: missense variant. On other transcripts: 5 prime UTR variant (1).
Genome position (GRCh38, 1-based): chr1:236,686,699, A>C. VCF-style: chr1-236686699-A-C. GRCh37 (hg19) VCF-style: chr1-236849999-A-C.
Other names: c.26A>C, p.Gln9Pro (NM_001278343.2); c.-796A>C (NM_001278344.2); c.-921A>C (NM_001412150.1); c.26A>C (NM_001103.2); short protein forms Q9P.
Identifiers: ClinVar variation 2008487 (VCV002008487.5), dbSNP rs121434525, ClinGen allele CA345358101.
Genomic context (GRCh38, chr1:236,686,699, plus strand): 5'-TCGCGCCCCGCCGCAGCCCCGGCCAACCGAGCGCCATGAACCAGATAGAGCCCGGCGTGC[A>C]GTACAACTACGTGTACGACGAGGATGAGTACATGATCCAGGAGGAGGAGTGGGACCGCGA-3'
Protein context (NP_001094.1, residues 1-19): MNQIEPGV[Gln9Pro]YNYVYDEDEY